The following is an entry in ClinVar:

NM_006074.5(TRIM22):c.1323T>C (p.Cys441=)

Gene: TRIM22 (tripartite motif containing 22; plus strand). Cytogenetic location: 11p15.4.
Variant type: single nucleotide variant.
Coding change: c.1323T>C on transcript NM_006074.5 (MANE Select); coding-DNA position 1323, T replaced by C.
Protein change: p.Cys441=; no amino-acid change (cysteine 441 retained).
Molecular consequence: synonymous variant.
Genome position (GRCh38, 1-based): chr11:5,709,474, T>C. VCF-style: chr11-5709474-T-C. GRCh37 (hg19) VCF-style: chr11-5730704-T-C.
Other names: c.1311T>C, p.Cys437= (NM_001199573.2).
Identifiers: ClinVar variation 4085313 (VCV004085313.8).

ClinVar aggregate classification (germline): Likely benign (1 of 4 stars; one submission).

gnomAD v4.1: 1 of 1,614,238 alleles (0.000062%); highest among the groups gnomAD compares: Non-Finnish European, 0.000085%; no homozygotes.

Submission:

CeGaT Center for Human Genetics Tuebingen
Classification: Likely benign. Last evaluated: 2025-06-01. Review status: criteria provided, single submitter. Criteria: CeGaT Center For Human Genetics Tuebingen Variant Classification Criteria Version 2. Collection method: clinical testing. Allele origin: germline. Affected: yes. Observed: 1 variant allele.
Comment: TRIM22: BP4, BP7